The following is an entry in ClinVar:

ClinVar aggregate classification (germline): Conflicting classifications of pathogenicity. Review status: criteria provided, conflicting classifications (1 of 4 stars). 8 submissions from 8 submitters: Uncertain significance (1); Likely benign (4). 3 of the submissions do not count toward it. Last evaluated 2025-07-18.

Conditions:
ZNF469-related disorder. Also called: ZNF469-related condition.
Cardiovascular phenotype. Identifiers: MedGen CN230736.
Ehlers-Danlos syndrome (EDS). Identifiers: Orphanet 98249, MedGen C0013720, MONDO:0020066.

Allele frequency attached by ClinVar (database versions not stated): 1000 Genomes Project 30x 0.00078; 1000 Genomes Project 0.00080; gnomAD 0.00135 and 0.00137; TOPMed 0.00148; gnomAD exomes 0.00165; ExAC 0.00232.
gnomAD v4.1: 2,995 of 1,550,274 alleles (0.19%); highest among the groups gnomAD compares: Middle Eastern, 0.35%; 6 homozygotes.

Submissions (8):

Mayo Clinic Laboratories, Mayo Clinic
Classification: Likely benign. Last evaluated: 2025-07-18. Review status: criteria provided, single submitter. Criteria: ACMG Guidelines, 2015. Collection method: clinical testing. Allele origin: germline. Observed: 5 variant alleles.
Comment: BS1, BS2_supporting, BP4_moderate

Blueprint Genetics
Classification: Likely benign. Last evaluated: 2024-11-26. Review status: criteria provided, single submitter. Criteria: ACMG Guidelines, 2015. Collection method: clinical testing. Allele origin: germline.

CeGaT Center for Human Genetics Tuebingen
Classification: Likely benign. Last evaluated: 2024-02-01. Review status: criteria provided, single submitter. Criteria: CeGaT Center For Human Genetics Tuebingen Variant Classification Criteria Version 2. Collection method: clinical testing. Allele origin: germline. Affected: yes. Observed: 6 variant alleles.
Comment: ZNF469: BP4

Genome Diagnostics Laboratory, The Hospital for Sick Children
Classification: Uncertain significance for Ehlers-Danlos syndrome. Last evaluated: 2022-04-08. Review status: criteria provided, single submitter. Criteria: ACMG Guidelines, 2015. Collection method: clinical testing. Allele origin: germline.

Ambry Genetics
Classification: Likely benign for Cardiovascular phenotype. Last evaluated: 2021-07-16. Review status: criteria provided, single submitter. Criteria: Ambry Variant Classification Scheme 2023. Collection method: clinical testing. Allele origin: germline.

PreventionGenetics, part of Exact Sciences
Classification: Likely benign for ZNF469-related condition. Last evaluated: 2024-07-01. Review status: no assertion criteria provided. Collection method: clinical testing. Allele origin: germline. Not counted in ClinVar's aggregate classification.
Comment: This variant is classified as likely benign based on ACMG/AMP sequence variant interpretation guidelines (Richards et al. 2015 PMID: 25741868, with internal and published modifications).

Clinical Genetics DNA and cytogenetics Diagnostics Lab, Erasmus MC, Erasmus Medical Center
Classification: Likely benign. Review status: no assertion criteria provided. Collection method: clinical testing. Allele origin: germline. Affected: yes. Study: VKGL Data-share Consensus. Not counted in ClinVar's aggregate classification.

Genome Diagnostics Laboratory, Amsterdam University Medical Center
Classification: Likely benign. Review status: no assertion criteria provided. Collection method: clinical testing. Allele origin: germline. Affected: yes. Study: VKGL Data-share Consensus. Not counted in ClinVar's aggregate classification.

Literature cited by the submitters: PubMed 29228253 (cited by Mayo Clinic Laboratories, Mayo Clinic and Ambry Genetics).

NM_001367624.2(ZNF469):c.725G>T (p.Ser242Ile)

Gene: ZNF469 (zinc finger protein 469; plus strand). Cytogenetic location: 16q24.2.
Variant type: single nucleotide variant.
Coding change: c.725G>T on transcript NM_001367624.2 (MANE Select); coding-DNA position 725, G replaced by T.
Protein change: p.Ser242Ile; replaces serine 242 with isoleucine.
Molecular consequence: missense variant.
Genome position (GRCh38, 1-based): chr16:88,428,195, G>T. VCF-style: chr16-88428195-G-T. GRCh37 (hg19) VCF-style: chr16-88494603-G-T.
Other names: NM_001127464.2:c.725G>T; p.Ser242Ile; short protein forms S242I.
Identifiers: ClinVar variation 320857 (VCV000320857.55), dbSNP rs536586591, ClinGen allele CA8224616.